The following is an entry in ClinVar:

ClinVar aggregate classification (germline): Uncertain significance. Review status: criteria provided, multiple submitters, no conflicts (2 of 4 stars). 3 submissions from 3 submitters: Uncertain significance (3). Last evaluated 2026-05-06.

Conditions:
SCN11A-related disorder. Also called: SCN11A-related condition.
Hereditary sensory and autonomic neuropathy type 7. Also called: Neuropathy, hereditary sensory and autonomic, type VII; HSAN VII. Identifiers: Orphanet 391397, MedGen C3809882, MONDO:0014244, OMIM 615548.
Familial episodic pain syndrome with predominantly lower limb involvement. Also called: Episodic pain syndrome, familial, 3. Identifiers: Orphanet 391384, Orphanet 391392, MedGen C3809899, MONDO:0014247, OMIM 615552.
Inborn genetic diseases. Identifiers: MedGen C0950123, MeSH D030342.

Allele frequency attached by ClinVar (database versions not stated): ExAC 0.00002; gnomAD exomes 0.00002 and 0.00011; gnomAD 0.00005 and 0.00007; ESP Exome Variant Server 0.00008.
gnomAD v4.1: 161 of 1,579,762 alleles (0.01%); highest among the groups gnomAD compares: Non-Finnish European, 0.013%; no homozygotes.

Submissions (3):

PreventionGenetics, part of Exact Sciences
Classification: Uncertain significance for SCN11A-related condition. Last evaluated: 2026-05-06. Review status: criteria provided, single submitter. Criteria: ACMG Guidelines, 2015. Collection method: clinical testing. Allele origin: germline.
Comment: The SCN11A c.2381T>C variant is predicted to result in the amino acid substitution p.Ile794Thr. To our knowledge, this variant has not been reported in the literature. This variant is reported in 0.0048% of alleles in individuals of European (Non-Finnish) descent in gnomAD. At this time, the clinical significance of this variant is uncertain due to the absence of conclusive functional and genetic evidence.

Labcorp Genetics (formerly Invitae), Labcorp
Classification: Uncertain significance for Familial episodic pain syndrome with predominantly lower limb involvement; Hereditary sensory and autonomic neuropathy type 7. Last evaluated: 2025-05-13. Review status: criteria provided, single submitter. Criteria: Invitae Variant Classification Sherloc (09022015). Collection method: clinical testing. Allele origin: germline.
Comment: This sequence change replaces isoleucine, which is neutral and non-polar, with threonine, which is neutral and polar, at codon 794 of the SCN11A protein (p.Ile794Thr). This variant is present in population databases (rs147636808, gnomAD 0.005%). This variant has not been reported in the literature in individuals affected with SCN11A-related conditions. ClinVar contains an entry for this variant (Variation ID: 646926). Invitae Evidence Modeling of protein sequence and biophysical properties (such as structural, functional, and spatial information, amino acid conservation, physicochemical variation, residue mobility, and thermodynamic stability) indicates that this missense variant is not expected to disrupt SCN11A protein function with a negative predictive value of 80%. In summary, the available evidence is currently insufficient to determine the role of this variant in disease. Therefore, it has been classified as a Variant of Uncertain Significance.

Ambry Genetics
Classification: Uncertain significance for Inborn genetic diseases. Last evaluated: 2020-06-11. Review status: criteria provided, single submitter. Criteria: Ambry Variant Classification Scheme 2023. Collection method: clinical testing. Allele origin: germline.
Comment: The p.I794T variant (also known as c.2381T>C), located in coding exon 14 of the SCN11A gene, results from a T to C substitution at nucleotide position 2381. The isoleucine at codon 794 is replaced by threonine, an amino acid with similar properties. This amino acid position is not well conserved in available vertebrate species. In addition, the in silico prediction for this alteration is inconclusive. Since supporting evidence is limited at this time, the clinical significance of this alteration remains unclear.

NM_001349253.2(SCN11A):c.2381T>C (p.Ile794Thr)

Gene: SCN11A (sodium voltage-gated channel alpha subunit 11; minus strand). Cytogenetic location: 3p22.2.
Variant type: single nucleotide variant.
Coding change: c.2381T>C on transcript NM_001349253.2 (MANE Select); coding-DNA position 2381, T replaced by C.
Protein change: p.Ile794Thr; replaces isoleucine 794 with threonine.
Molecular consequence: missense variant.
Genome position (GRCh38, 1-based): chr3:38,896,867, A>G on the plus strand (T>C on the coding strand, the complement: SCN11A is on the minus strand). VCF-style: chr3-38896867-A-G. GRCh37 (hg19) VCF-style: chr3-38938358-A-G.
Other names: c.2381T>C, p.Ile794Thr (NM_014139.3); short protein forms I794T.
Identifiers: ClinVar variation 646926 (VCV000646926.8), dbSNP rs147636808, ClinGen allele CA2322073.